The following is an entry in ClinVar:

NM_004006.3(DMD):c.358-139G>A

Gene: DMD (dystrophin; minus strand). Cytogenetic location: Xp21.1.
Variant type: single nucleotide variant.
Coding change: c.358-139G>A on transcript NM_004006.3 (MANE Select); 139 bases into the intron before coding-DNA position 358, G replaced by A.
Molecular consequence: intron variant.
Genome position (GRCh38, 1-based): chrX:32,816,779, C>T on the plus strand (G>A on the coding strand, the complement: DMD is on the minus strand). VCF-style: chrX-32816779-C-T. GRCh37 (hg19) VCF-style: chrX-32834896-C-T.
Other names: c.334-139G>A (NM_000109.4); c.346-139G>A (NM_004009.3); c.-12-139G>A (NM_004010.3).
Identifiers: ClinVar variation 671352 (VCV000671352.1), dbSNP rs6631649, ClinGen allele CA328574249.

ClinVar aggregate classification (germline): Benign (1 of 4 stars; one submission).

Allele frequency attached by ClinVar (database versions not stated): gnomAD 0.08393 and 0.07894; TOPMed 0.09073; 1000 Genomes Project 0.09351; 1000 Genomes Project 30x 0.09428.
gnomAD v4.1: 14,458 of 570,812 alleles (2.5%); highest among the groups gnomAD compares: African/African-American, 27%; 1,190 homozygotes.

Submission:

GeneDx
Classification: Benign. Last evaluated: 2018-06-14. Review status: criteria provided, single submitter. Criteria: GeneDx Variant Classification (06012015). Collection method: clinical testing. Allele origin: germline. Affected: yes.
Comment: This variant is considered likely benign or benign based on one or more of the following criteria: it is a conservative change, it occurs at a poorly conserved position in the protein, it is predicted to be benign by multiple in silico algorithms, and/or has population frequency not consistent with disease.